The following is an entry in ClinVar:

ClinVar aggregate classification (germline): Uncertain significance. Review status: criteria provided, multiple submitters, no conflicts (2 of 4 stars). 3 submissions from 3 submitters: Uncertain significance (3). Last evaluated 2025-11-14.

Conditions:
Genitopatellar syndrome (GTPTS). Also called: Genitopatellar syndrome (GPS); ABSENT PATELLAE, SCROTAL HYPOPLASIA, RENAL ANOMALIES, FACIAL DYSMORPHISM, AND MENTAL RETARDATION. Identifiers: Orphanet 85201, MedGen C1853566, MONDO:0011640, OMIM 606170.
Blepharophimosis - intellectual disability syndrome, SBBYS type (SBBYSS). Also called: Say-Barber-Biesecker-Young-Simpson variant of Ohdo Syndrome; Say-Barber-Biesecker Variant of Ohdo Syndrome; Young Simpson syndrome; Mental retardation unusual facies hypothyroidism; Say-Barber-Biesecker variant of Ohdo syndrome (SBBYSS); SBBYSS syndrome. Identifiers: Orphanet 3047, MedGen C1863557, MONDO:0011365, OMIM 603736.

Allele frequency attached by ClinVar (database versions not stated): ExAC 0.00002; gnomAD exomes 0.00002; gnomAD 0.00003; TOPMed 0.00004.
gnomAD v4.1: 32 of 1,613,798 alleles (0.002%); highest among the groups gnomAD compares: Middle Eastern, 0.016%; no homozygotes.

Submissions (3):

Labcorp Genetics (formerly Invitae), Labcorp
Classification: Uncertain significance for Genitopatellar syndrome. Last evaluated: 2025-11-14. Review status: criteria provided, single submitter. Criteria: Invitae Variant Classification Sherloc (09022015). Collection method: clinical testing. Allele origin: germline.
Comment: This sequence change replaces proline, which is neutral and non-polar, with serine, which is neutral and polar, at codon 1332 of the KAT6B protein (p.Pro1332Ser). This variant is present in population databases (rs764565963, gnomAD 0.005%). This missense change has been observed in individual(s) with congenital anomalies of the kidneys and urinary tract (PMID: 34906515). ClinVar contains an entry for this variant (Variation ID: 977345). Invitae Evidence Modeling of protein sequence and biophysical properties (such as structural, functional, and spatial information, amino acid conservation, physicochemical variation, residue mobility, and thermodynamic stability) indicates that this missense variant is not expected to disrupt KAT6B protein function with a negative predictive value of 80%. In summary, the available evidence is currently insufficient to determine the role of this variant in disease. Therefore, it has been classified as a Variant of Uncertain Significance.

Fulgent Genetics
Classification: Uncertain significance for Blepharophimosis - intellectual disability syndrome, SBBYS type; Genitopatellar syndrome. Last evaluated: 2021-08-15. Review status: criteria provided, single submitter. Criteria: ACMG Guidelines, 2015. Collection method: clinical testing. Allele origin: unknown.

New York Genome Center
Classification: Uncertain significance for Blepharophimosis - intellectual disability syndrome, SBBYS type. Last evaluated: 2020-01-23. Review status: criteria provided, single submitter. Criteria: NYGC Assertion Criteria 2020. Collection method: clinical testing. Allele origin: germline. Observed: 1 heterozygote. Study: CSER-NYCKidSeq.

Literature cited by the submitters: PubMed 34906515 (cited by Labcorp Genetics (formerly Invitae), Labcorp).

NM_012330.4(KAT6B):c.3994C>T (p.Pro1332Ser)

Gene: KAT6B (lysine acetyltransferase 6B; plus strand). Cytogenetic location: 10q22.2.
Variant type: single nucleotide variant.
Coding change: c.3994C>T on transcript NM_012330.4 (MANE Select); coding-DNA position 3994, C replaced by T.
Protein change: p.Pro1332Ser; replaces proline 1332 with serine.
Molecular consequence: missense variant.
Genome position (GRCh38, 1-based): chr10:75,028,818, C>T. VCF-style: chr10-75028818-C-T. GRCh37 (hg19) VCF-style: chr10-76788576-C-T.
Other names: c.3994C>T, p.Pro1332Ser (NM_001370137.1, NM_001370136.1); c.3445C>T, p.Pro1149Ser (NM_001370138.1, NM_001256468.2); c.3118C>T, p.Pro1040Ser (NM_001370139.1, NM_001370140.1, NM_001370141.1 and 2 more transcripts); c.2929C>T, p.Pro977Ser (NM_001370143.1, NM_001370144.1); c.2956C>T, p.Pro986Ser (NM_001370132.1); c.2305C>T, p.Pro769Ser (NM_001370133.1); c.1909C>T, p.Pro637Ser (NM_001370134.1); c.1651C>T, p.Pro551Ser (NM_001370135.1); short protein forms P1040S, P1149S, P1332S, P551S, P637S, P769S, P977S, P986S.
Identifiers: ClinVar variation 977345 (VCV000977345.7), dbSNP rs764565963, ClinGen allele CA5564937.